The following is an entry in ClinVar:

NM_002016.2(FLG):c.2540del (p.Gly846_Ser847insTer)

Genes: CCDST (cervical cancer associated DHX9 suppressive transcript; plus strand), FLG (filaggrin; minus strand). Cytogenetic location: 1q21.3.
Variant type: Deletion.
Coding change: c.2540del on transcript NM_002016.2 (MANE Select); coding-DNA position 2540, one base deleted (C; older notation c.2540delC).
Protein change: p.Gly846_Ser847insTer.
Molecular consequence: nonsense.
Genome position (GRCh38, 1-based): chr1:152,312,346, G deleted on the plus strand (C on the coding strand, the reverse complement: FLG is on the minus strand). VCF-style (leftmost placement, unchanged base first): chr1-152312345-TG-T. GRCh37 (hg19) VCF-style: chr1-152284821-TG-T.
Identifiers: ClinVar variation 1698030 (VCV001698030.2), dbSNP rs760643994, ClinGen allele CA1107118.

ClinVar aggregate classification (germline): Pathogenic (1 of 4 stars; one submission).

Allele frequency attached by ClinVar (database versions not stated): gnomAD exomes 0.00002; ExAC 0.00003; gnomAD 0.00006 and 0.00007; TOPMed 0.00009; ESP Exome Variant Server 0.00016.

Submission:

GeneDx
Classification: Pathogenic. Last evaluated: 2022-07-15. Review status: criteria provided, single submitter. Criteria: GeneDx Variant Classification Process June 2021. Collection method: clinical testing. Allele origin: germline. Affected: yes.
Comment: Has not been previously published as pathogenic or benign to our knowledge; Frameshift variant in the C-terminus predicted to result in protein truncation, as the last 3215 amino acids are lost, and other loss-of-function variants have been reported downstream in the Human Gene Mutation Database (HGMD); This variant is associated with the following publications: (PMID: 16444271)